The following is an entry in ClinVar:

NM_006180.6(NTRK2):c.1390A>G (p.Met464Val)

Gene: NTRK2 (neurotrophic receptor tyrosine kinase 2; plus strand). Cytogenetic location: 9q21.33.
Variant type: single nucleotide variant.
Coding change: c.1390A>G on transcript NM_006180.6 (MANE Select); coding-DNA position 1390, A replaced by G.
Protein change: p.Met464Val; replaces methionine 464 with valine.
Molecular consequence: missense variant.
Genome position (GRCh38, 1-based): chr9:84,752,079, A>G. VCF-style: chr9-84752079-A-G. GRCh37 (hg19) VCF-style: chr9-87366994-A-G.
Other names: c.1390A>G, p.Met464Val (NM_001007097.3, NM_001018064.3, NM_001018065.2 and 15 more transcripts); c.1351A>G, p.Met451Val (NM_001291937.2, NM_001369546.1); c.1354A>G, p.Met452Val (NM_001369534.1); c.922A>G, p.Met308Val (NM_001369535.1, NM_001369536.1, NM_001369552.1 and 2 more transcripts); short protein forms M308V, M451V, M452V, M464V.
Identifiers: ClinVar variation 954334 (VCV000954334.10), dbSNP rs2064671889, ClinGen allele CA374008582.

ClinVar aggregate classification (germline): Uncertain significance. Review status: criteria provided, single submitter (1 of 4 stars). 2 submissions from 2 submitters: Uncertain significance (1). 1 of the submissions does not count toward it. Last evaluated 2025-10-15.

Conditions:
NTRK2-related disorder. Also called: NTRK2-related condition.

Allele frequency attached by ClinVar (database versions not stated): TOPMed 0.00001; gnomAD 0.00003.
gnomAD v4.1: 4 of 1,613,568 alleles (0.00025%); highest among the groups gnomAD compares: Admixed American, 0.0067%; no homozygotes.

Submissions (2):

Labcorp Genetics (formerly Invitae), Labcorp
Classification: Uncertain significance. Last evaluated: 2025-10-15. Review status: criteria provided, single submitter. Criteria: Invitae Variant Classification Sherloc (09022015). Collection method: clinical testing. Allele origin: germline.
Comment: This sequence change replaces methionine, which is neutral and non-polar, with valine, which is neutral and non-polar, at codon 464 of the NTRK2 protein (p.Met464Val). This variant is not present in population databases (gnomAD no frequency). This variant has not been reported in the literature in individuals affected with NTRK2-related conditions. ClinVar contains an entry for this variant (Variation ID: 954334). Invitae Evidence Modeling of protein sequence and biophysical properties (such as structural, functional, and spatial information, amino acid conservation, physicochemical variation, residue mobility, and thermodynamic stability) indicates that this missense variant is expected to disrupt NTRK2 protein function with a positive predictive value of 95%. In summary, the available evidence is currently insufficient to determine the role of this variant in disease. Therefore, it has been classified as a Variant of Uncertain Significance.

PreventionGenetics, part of Exact Sciences
Classification: Uncertain significance for NTRK2-related condition. Last evaluated: 2023-10-27. Review status: no assertion criteria provided. Collection method: clinical testing. Allele origin: germline. Not counted in ClinVar's aggregate classification.
Comment: The NTRK2 c.1390A>G variant is predicted to result in the amino acid substitution p.Met464Val. To our knowledge, this variant has not been reported in the literature or in a large population database, indicating this variant is rare. At this time, the clinical significance of this variant is uncertain due to the absence of conclusive functional and genetic evidence.